The following is an entry in ClinVar:

NM_001363540.2(DOCK4):c.5673G>A (p.Val1891=)

Gene: DOCK4 (dedicator of cytokinesis 4; minus strand). Cytogenetic location: 7q31.1.
Variant type: single nucleotide variant.
Coding change: c.5673G>A on transcript NM_001363540.2 (MANE Select); coding-DNA position 5673, G replaced by A.
Protein change: p.Val1891=; no amino-acid change (valine 1891 retained).
Molecular consequence: synonymous variant.
Genome position (GRCh38, 1-based): chr7:111,728,529, C>T on the plus strand (G>A on the coding strand, the complement: DOCK4 is on the minus strand). VCF-style: chr7-111728529-C-T. GRCh37 (hg19) VCF-style: chr7-111368585-C-T.
Other names: c.5646G>A, p.Val1882= (NM_014705.4).
Identifiers: ClinVar variation 5041321 (VCV005041321.1).
Genomic context (GRCh38, chr7:111,728,529, plus strand): 5'-CGGGGGCGGAGTCTTGCTCTCCTTGCGCACTGGCTCCTCCCCGCCGTAGCTCGGCACGGG[C>T]ACCGGCACTGGCACCGGCAGGGGGGCCGACTGTTCATTCACCTGATTTTCAAAGCCTGAG-3'
Protein context (NP_001350469.1, residues 1881-1901): QSAPLPVPVP[Val1891=]PVPSYGGEEP

ClinVar aggregate classification (germline): Likely benign (1 of 4 stars; one submission).

gnomAD v4.1: 7 of 1,613,216 alleles (0.00043%); highest among the groups gnomAD compares: Admixed American, 0.005%; no homozygotes.

Submission:

CeGaT Center for Human Genetics Tuebingen
Classification: Likely benign. Last evaluated: 2026-09-01. Review status: criteria provided, single submitter. Criteria: CeGaT Center For Human Genetics Tuebingen Variant Classification Criteria Version 2. Collection method: clinical testing. Allele origin: germline. Affected: yes. Observed: 1 variant allele.
Comment: DOCK4: BP4, BP7